The following is an entry in ClinVar:

NM_004174.4(SLC9A3):c.1441G>A (p.Gly481Arg)

Gene: SLC9A3 (solute carrier family 9 member A3). Cytogenetic location: 5p15.33.
Variant type: single nucleotide variant.
Coding change: c.1441G>A on transcript NM_004174.4 (MANE Select); coding-DNA position 1441, G replaced by A.
Protein change: p.Gly481Arg; replaces glycine 481 with arginine.
Molecular consequence: missense variant.
Genome position (GRCh38, 1-based): chr5:482,073, C>T on the plus strand (G>A on the coding strand, the complement: SLC9A3 is on the minus strand). VCF-style: chr5-482073-C-T. GRCh37 (hg19) VCF-style: chr5-482188-C-T.
Other names: c.1414G>A, p.Gly472Arg (NM_001284351.3); short protein forms G481R, G472R.
Identifiers: ClinVar variation 2180140 (VCV002180140.2), dbSNP rs372558316, ClinGen allele CA3175953.

ClinVar aggregate classification (germline): Uncertain significance (1 of 4 stars; one submission).

Allele frequency attached by ClinVar (database versions not stated): gnomAD 0.00003; gnomAD exomes 0.00003; ExAC 0.00008; ESP Exome Variant Server 0.00015.

Submission:

Labcorp Genetics (formerly Invitae), Labcorp
Classification: Uncertain significance. Last evaluated: 2024-01-15. Review status: criteria provided, single submitter. Criteria: Invitae Variant Classification Sherloc (09022015). Collection method: clinical testing. Allele origin: germline.
Comment: This sequence change replaces glycine, which is neutral and non-polar, with arginine, which is basic and polar, at codon 481 of the SLC9A3 protein (p.Gly481Arg). This variant is present in population databases (rs372558316, gnomAD 0.007%). This variant has not been reported in the literature in individuals affected with SLC9A3-related conditions. ClinVar contains an entry for this variant (Variation ID: 2180140). Advanced modeling of protein sequence and biophysical properties (such as structural, functional, and spatial information, amino acid conservation, physicochemical variation, residue mobility, and thermodynamic stability) performed at Invitae indicates that this missense variant is not expected to disrupt SLC9A3 protein function with a negative predictive value of 80%. In summary, the available evidence is currently insufficient to determine the role of this variant in disease. Therefore, it has been classified as a Variant of Uncertain Significance.